The following is an entry in ClinVar:

ClinVar aggregate classification (germline): Pathogenic/Likely pathogenic. Review status: criteria provided, multiple submitters, no conflicts (2 of 4 stars). 4 submissions from 4 submitters: Pathogenic (2); Likely pathogenic (1). 1 of the submissions does not count toward it. Last evaluated 2025-10-07.

Conditions:
PYCR1-related disorder. Also called: PYCR1-related condition.
Cutis laxa. Identifiers: Orphanet 209, MedGen C0010495, MONDO:0016175, HP:0000973.
Autosomal recessive cutis laxa type 2B (ARCL2B). Also called: CUTIS LAXA, AUTOSOMAL RECESSIVE, TYPE IIB; CUTIS LAXA WITH PROGEROID FEATURES. Identifiers: Orphanet 357064, MedGen C2751987, MONDO:0013051, OMIM 612940. Disease mechanism: loss of function.

gnomAD v4.1: 4 of 1,609,746 alleles (0.00025%); highest among the groups gnomAD compares: Admixed American, 0.0017%; no homozygotes.

Submissions (4):

Women's Health and Genetics/Laboratory Corporation of America, LabCorp
Classification: Pathogenic for Cutis laxa. Last evaluated: 2025-10-07. Review status: criteria provided, single submitter. Criteria: LabCorp Variant Classification Summary - May 2015. Collection method: clinical testing. Allele origin: germline.
Comment: Variant summary: PYCR1 c.355C>G (p.Arg119Gly) results in a non-conservative amino acid change in the encoded protein sequence. Algorithms developed to predict the effect of missense changes on protein structure and function all suggest that this variant is likely to be disruptive. The variant allele was found at a frequency of 8.1e-06 in 246662 control chromosomes (gnomAD). c.355C>G has been observed in individual(s) affected with Cutis Laxa - PYCR1 Related (e.g., Reversade_2009). These data indicate that the variant is likely to be associated with disease. Other variants affecting the same codon have been classified as pathogenic by our lab (c.355C>T/p.Arg119Cys, c.356G>A/p.Arg119His), supporting the critical relevance of codon 119 to PYCR1 protein function. At least one publication reports experimental evidence evaluating an impact on protein function. The most pronounced variant effect results in <10% of normal activity (Li_2017). The following publications have been ascertained in the context of this evaluation (PMID: 19648921, 28194412). ClinVar contains an entry for this variant (Variation ID: 13196). Based on the evidence outlined above, the variant was classified as pathogenic.

3billion
Classification: Likely pathogenic for PYCR1-related disorder. Last evaluated: 2025-08-28. Review status: criteria provided, single submitter. Criteria: ACMG Guidelines, 2015. Collection method: clinical testing. Allele origin: germline. Affected: yes.
Comment: The variant is observed at an extremely low frequency in the gnomAD v4.1.0 dataset (total allele frequency: <0.001%). Predicted Consequence/Location: Missense variant In silico tool predictions suggest damaging effect of the variant on gene or gene product [REVEL: 0.68 (>=0.6, sensitivity 0.68 and specificity 0.92); 3Cnet: 0.99 (> 0.75, sensitivity 0.96 and precision 0.92)]. The same nucleotide change resulting in the same amino acid change has been previously reported to be associated with PYCR1-related disorder (ClinVar ID: VCV000013196 /PMID: 19648921).The variant has been reported to be in trans with a pathogenic variant as either compound heterozygous or homozygous in at least one similarly affected unrelated individual (PMID: 19648921). Different missense changes at the same codon (p.Arg119Cys, p.Arg119His) have been reported as pathogenic/likely pathogenic with strong evidence (ClinVar ID: VCV000013197, VCV000488456 /PMID: 19648921, 24035636). Therefore, this variant is classified as Likely pathogenic according to the recommendation of ACMG/AMP guideline.

Labcorp Genetics (formerly Invitae), Labcorp
Classification: Pathogenic. Last evaluated: 2025-08-25. Review status: criteria provided, single submitter. Criteria: Invitae Variant Classification Sherloc (09022015). Collection method: clinical testing. Allele origin: germline.
Comment: This sequence change replaces arginine, which is basic and polar, with glycine, which is neutral and non-polar, at codon 119 of the PYCR1 protein (p.Arg119Gly). This variant is present in population databases (rs121918376, gnomAD 0.003%). This missense change has been observed in individuals with autosomal recessive cutis laxa (PMID: 19648921). ClinVar contains an entry for this variant (Variation ID: 13196). Invitae Evidence Modeling of protein sequence and biophysical properties (such as structural, functional, and spatial information, amino acid conservation, physicochemical variation, residue mobility, and thermodynamic stability) indicates that this missense variant is expected to disrupt PYCR1 protein function with a positive predictive value of 80%. This variant disrupts the p.Arg119 amino acid residue in PYCR1. Other variant(s) that disrupt this residue have been determined to be pathogenic (PMID: 23963297, 24035636, 30450527). This suggests that this residue is clinically significant, and that variants that disrupt this residue are likely to be disease-causing. For these reasons, this variant has been classified as Pathogenic.

OMIM
Classification: Pathogenic for CUTIS LAXA, AUTOSOMAL RECESSIVE, TYPE IIB. Last evaluated: 2009-09-01. Review status: no assertion criteria provided. Collection method: literature only. Allele origin: germline. Not counted in ClinVar's aggregate classification.

Literature cited by the submitters: PubMed 19648921 (cited by 4 submitters); PubMed 28194412 (cited by Women's Health and Genetics/Laboratory Corporation of America, LabCorp); PubMed 23963297 (cited by Labcorp Genetics (formerly Invitae), Labcorp); PubMed 24035636 (cited by Labcorp Genetics (formerly Invitae), Labcorp); PubMed 30450527 (cited by Labcorp Genetics (formerly Invitae), Labcorp).

NM_006907.4(PYCR1):c.355C>G (p.Arg119Gly)

Gene: PYCR1 (pyrroline-5-carboxylate reductase 1; minus strand). Cytogenetic location: 17q25.3.
Variant type: single nucleotide variant.
Coding change: c.355C>G on transcript NM_006907.4 (MANE Select); coding-DNA position 355, C replaced by G.
Protein change: p.Arg119Gly; replaces arginine 119 with glycine.
Molecular consequence: missense variant.
Genome position (GRCh38, 1-based): chr17:81,935,111, G>C on the plus strand (C>G on the coding strand, the complement: PYCR1 is on the minus strand). VCF-style: chr17-81935111-G-C. GRCh37 (hg19) VCF-style: chr17-79892987-G-C.
Other names: c.355C>G, p.Arg119Gly (NM_001282279.2, NM_001282280.2, NM_001330523.2 and 1 more transcripts); c.436C>G, p.Arg146Gly (NM_001282281.2); short protein forms R119G, R146G.
Identifiers: ClinVar variation 13196 (VCV000013196.4), dbSNP rs121918376, ClinGen allele CA122954.